The following is an entry in ClinVar:

NM_003718.5(CDK13):c.1427C>T (p.Ala476Val)

Gene: CDK13 (cyclin dependent kinase 13; plus strand). Cytogenetic location: 7p14.1.
Variant type: single nucleotide variant.
Coding change: c.1427C>T on transcript NM_003718.5 (MANE Select); coding-DNA position 1427, C replaced by T.
Protein change: p.Ala476Val; replaces alanine 476 with valine.
Molecular consequence: missense variant.
Genome position (GRCh38, 1-based): chr7:39,987,814, C>T. VCF-style: chr7-39987814-C-T. GRCh37 (hg19) VCF-style: chr7-40027413-C-T.
Other names: c.1427C>T, p.Ala476Val (NM_031267.4); short protein forms A476V.
Identifiers: ClinVar variation 2662043 (VCV002662043.2), dbSNP rs1784371241, ClinGen allele CA367282467.
Genomic context (GRCh38, chr7:39,987,814, plus strand): 5'-ATAAAAAAGCACGAGCAGCAGAGGCAGCAAGAGCCGCAGAAGCAGCGAAAGCTGCAGAAG[C>T]AACTAAGGCTGCTGAGGCTGCTGCCAAGGCTGCAAAAGCTTCAAACACTTCTACACCTAC-3'
Protein context (NP_003709.3, residues 466-486): RAAEAAKAAE[Ala476Val]TKAAEAAAKA

ClinVar aggregate classification (germline): Uncertain significance (1 of 4 stars; one submission).

Allele frequency attached by ClinVar (database versions not stated): TOPMed below 0.00001.

Submission:

GeneDx
Classification: Uncertain significance. Last evaluated: 2024-03-25. Review status: criteria provided, single submitter. Criteria: GeneDx Variant Classification Process June 2021. Collection method: clinical testing. Allele origin: germline.
Comment: Not observed at significant frequency in large population cohorts (gnomAD); In silico analysis supports that this missense variant does not alter protein structure/function; Has not been previously published as pathogenic or benign to our knowledge